The following is an entry in ClinVar:

NM_000551.4(VHL):c.340+634C>A

Genes: VHL (von Hippel-Lindau tumor suppressor; plus strand), LOC107303340 (3p25 von Hippel-Lindau tumor suppressor, E3 ubiquitin protein ligase Alu-mediated recombination region; plus strand). Cytogenetic location: 3p25.3.
Variant type: single nucleotide variant.
Coding change: c.340+634C>A on transcript NM_000551.4 (MANE Select); 634 bases into the intron after coding-DNA position 340, C replaced by A.
Molecular consequence: intron variant. On other transcripts: missense variant (1).
Genome position (GRCh38, 1-based): chr3:10,142,821, C>A. VCF-style: chr3-10142821-C-A. GRCh37 (hg19) VCF-style: chr3-10184505-C-A.
Other names: c.399C>A, p.Phe133Leu (NM_001354723.2); c.340+634C>A (NM_198156.3); short protein forms F133L.
Identifiers: ClinVar variation 1442055 (VCV001442055.8), dbSNP rs1461514639, ClinGen allele CA2573136103.

ClinVar aggregate classification (germline): Uncertain significance (1 of 4 stars; one submission).

Conditions:
Chuvash polycythemia. Also called: POLYCYTHEMIA, VHL-DEPENDENT. Identifiers: Orphanet 238557, MedGen C1837915, MONDO:0009892, OMIM 263400.
Von Hippel-Lindau syndrome (VHLS). Also called: von Hippel–Lindau syndrome; Von Hippel-Lindau; VHL syndrome. Identifiers: Orphanet 892, MedGen C0019562, MONDO:0008667, OMIM 193300. Disease mechanism: loss of function.

Submission:

Labcorp Genetics (formerly Invitae), Labcorp
Classification: Uncertain significance for Von Hippel-Lindau syndrome; Chuvash polycythemia. Last evaluated: 2025-12-03. Review status: criteria provided, single submitter. Criteria: Invitae Variant Classification Sherloc (09022015). Collection method: clinical testing. Allele origin: germline.
Comment: This sequence change falls in intron 1 of the VHL gene. It is not expected to change the encoded amino acid sequence of the VHL protein. However, this sequence change falls within a cryptic exon in the VHL gene, known as exon E1’, which is naturally expressed at low levels in several human tissues (PMID: 29891534). This variant is not present in population databases (gnomAD no frequency). This variant has not been reported in the literature in individuals affected with VHL-related conditions. ClinVar contains an entry for this variant (Variation ID: 1442055). Algorithms developed to predict the effect of sequence changes on RNA splicing suggest that this variant is not likely to affect RNA splicing. In summary, the available evidence is currently insufficient to determine the role of this variant in disease. Therefore, it has been classified as a Variant of Uncertain Significance.

Literature cited by the submitters: PubMed 29891534.